The following is an entry in ClinVar:

NM_001048166.1(STIL):c.741G>A (p.Leu247=)

Gene: STIL (STIL centriolar assembly protein; minus strand). Cytogenetic location: 1p33.
Variant type: single nucleotide variant.
Coding change: c.741G>A on transcript NM_001048166.1 (MANE Select); coding-DNA position 741, G replaced by A.
Protein change: p.Leu247=; no amino-acid change (leucine 247 retained).
Molecular consequence: synonymous variant.
Genome position (GRCh38, 1-based): chr1:47,295,809, C>T on the plus strand (G>A on the coding strand, the complement: STIL is on the minus strand). VCF-style: chr1-47295809-C-T. GRCh37 (hg19) VCF-style: chr1-47761481-C-T.
Other names: c.741G>A, p.Leu247= (NM_001282936.1, NM_001282937.1, NM_003035.2); c.600G>A, p.Leu200= (NM_001282938.1, NM_001282939.1, NM_001377417.1).
Identifiers: ClinVar variation 1638489 (VCV001638489.10), dbSNP rs200629269, ClinGen allele CA842533.
Genomic context (GRCh38, chr1:47,295,809, plus strand): 5'-ATAATGTAATACTTACATTCCCACCAATGGTAGAGAATAAACCTTGGGATCAGATTCCAA[C>T]AAAAGTAACAATTTGCGTGTTTCATCCATGGTAAGATATCTAAACAGAAGACATTCATGT-3'
Protein context (NP_001041631.1, residues 237-257): TMDETRKLLL[Leu247=]LESDPKVYSL

ClinVar aggregate classification (germline): Likely benign. Review status: criteria provided, single submitter (1 of 4 stars). 2 submissions from 2 submitters: Likely benign (1). 1 of the submissions does not count toward it. Last evaluated 2025-10-02.

Conditions:
STIL-related disorder. Also called: STIL-related condition.

Allele frequency attached by ClinVar (database versions not stated): gnomAD 0.00002 and 0.00003; gnomAD exomes 0.00002 and 0.00004; TOPMed 0.00002; ExAC 0.00005.

Submissions (2):

Labcorp Genetics (formerly Invitae), Labcorp
Classification: Likely benign. Last evaluated: 2025-10-02. Review status: criteria provided, single submitter. Criteria: Invitae Variant Classification Sherloc (09022015). Collection method: clinical testing. Allele origin: germline.

PreventionGenetics, part of Exact Sciences
Classification: Likely benign for STIL-related condition. Last evaluated: 2022-12-15. Review status: no assertion criteria provided. Collection method: clinical testing. Allele origin: germline. Not counted in ClinVar's aggregate classification.
Comment: This variant is classified as likely benign based on ACMG/AMP sequence variant interpretation guidelines (Richards et al. 2015 PMID: 25741868, with internal and published modifications).